The following is an entry in ClinVar:

NM_000130.5(F5):c.3697CCAGACCTCAGCCATACAACCCTTTCT[1] (p.1233PDLSHTTLS[1])

Gene: F5 (coagulation factor V; minus strand). Cytogenetic location: 1q24.2.
Variant type: Microsatellite.
Coding change: c.3697CCAGACCTCAGCCATACAACCCTTTCT[1] on transcript NM_000130.5 (MANE Select); one copy of the 27-base unit CCAGACCTCAGCCATACAACCCTTTCT starting at c.3697; the reference has two copies in a row; one copy, 27 bases deleted.
Protein change: p.1233PDLSHTTLS[1].
Molecular consequence: inframe deletion.
Genome position (GRCh38, 1-based): chr1:169,541,340-169,541,366, AGAAAGGGTTGTATGGCTGAGGTCTGG deleted on the plus strand (CCAGACCTCAGCCATACAACCCTTTCT on the coding strand, the reverse complement: F5 is on the minus strand); deleting any 27 consecutive bases within chr1:169,541,340-169,541,398 gives the same sequence; the position shown is the placement nearest the transcript's 3' end. VCF-style (leftmost placement, unchanged base first): chr1-169541339-AAGAAAGGGTTGTATGGCTGAGGTCTGG-A. GRCh37 (hg19) VCF-style: chr1-169510577-AAGAAAGGGTTGTATGGCTGAGGTCTGG-A.
Identifiers: ClinVar variation 2723344 (VCV002723344.3), dbSNP rs774616225, ClinGen allele CA1233832.

ClinVar aggregate classification (germline): Uncertain significance. Review status: criteria provided, multiple submitters, no conflicts (2 of 4 stars). 2 submissions from 2 submitters: Uncertain significance (2). Last evaluated 2025-09-10.

Conditions:
Congenital factor V deficiency. Also called: LABILE FACTOR DEFICIENCY; OWREN PARAHEMOPHILIA; PARAHEMOPHILIA; Hereditary factor V deficiency disease. Identifiers: Orphanet 326, MedGen C0015499, MONDO:0009210, OMIM 227400.

Submissions (2):

Labcorp Genetics (formerly Invitae), Labcorp
Classification: Uncertain significance for Congenital factor V deficiency. Last evaluated: 2025-09-10. Review status: criteria provided, single submitter. Criteria: Invitae Variant Classification Sherloc (09022015). Collection method: clinical testing. Allele origin: germline.
Comment: This variant, c.3724_3750del, results in the deletion of 9 amino acid(s) of the F5 protein (p.Pro1242_Ser1250del), but otherwise preserves the integrity of the reading frame. This variant is present in population databases (rs774616225, gnomAD 0.02%). This variant has not been reported in the literature in individuals affected with F5-related conditions. Experimental studies and prediction algorithms are not available or were not evaluated, and the functional significance of this variant is currently unknown. In summary, the available evidence is currently insufficient to determine the role of this variant in disease. Therefore, it has been classified as a Variant of Uncertain Significance.

Blueprint Genetics
Classification: Uncertain significance. Last evaluated: 2024-03-05. Review status: criteria provided, single submitter. Criteria: ACMG Guidelines, 2015. Collection method: clinical testing. Allele origin: germline.